The following is an entry in ClinVar:

ClinVar aggregate classification (germline): Uncertain significance (1 of 4 stars; one submission).

Conditions:
Fanconi anemia (FA). Also called: Fanconi's anemia. Identifiers: Orphanet 84, MedGen C0015625, MeSH D005199, MONDO:0019391.

Allele frequency attached by ClinVar (database versions not stated): gnomAD exomes below 0.00001.
gnomAD v4.1: 1 of 1,613,860 alleles (0.000062%); no homozygotes.

Submission:

Labcorp Genetics (formerly Invitae), Labcorp
Classification: Uncertain significance for Fanconi anemia. Last evaluated: 2017-08-13. Review status: criteria provided, single submitter. Criteria: Invitae Variant Classification Sherloc (09022015). Collection method: clinical testing. Allele origin: germline.
Comment: In summary, the available evidence is currently insufficient to determine the role of this variant in disease. Therefore, it has been classified as a Variant of Uncertain Significance. Algorithms developed to predict the effect of missense changes on protein structure and function do not agree on the potential impact of this missense change (SIFT: "Tolerated"; PolyPhen-2: "Benign"; Align-GVGD: "Class C0"). This variant has not been reported in the literature in individuals with FANCI-related disease. This variant is not present in population databases (ExAC no frequency). This sequence change replaces arginine with methionine at codon 767 of the FANCI protein (p.Arg767Met). The arginine residue is weakly conserved and there is a moderate physicochemical difference between arginine and methionine.

NM_001113378.2(FANCI):c.2300G>T (p.Arg767Met)

Gene: FANCI (FA complementation group I; plus strand). Cytogenetic location: 15q26.1.
Variant type: single nucleotide variant.
Coding change: c.2300G>T on transcript NM_001113378.2 (MANE Select); coding-DNA position 2300, G replaced by T.
Protein change: p.Arg767Met; replaces arginine 767 with methionine.
Molecular consequence: missense variant.
Genome position (GRCh38, 1-based): chr15:89,293,841, G>T. VCF-style: chr15-89293841-G-T. GRCh37 (hg19) VCF-style: chr15-89837072-G-T.
Other names: c.2021G>T, p.Arg674Met (NM_001376910.1); c.2300G>T, p.Arg767Met (NM_001376911.1, NM_018193.3); short protein forms R767M, R674M.
Identifiers: ClinVar variation 526326 (VCV000526326.8), dbSNP rs1555447886, ClinGen allele CA393750004.